The following is an entry in ClinVar:

ClinVar aggregate classification (germline): Benign (1 of 4 stars; one submission).

Submission:

ISCA site 4
Classification: Benign. Last evaluated: 2011-08-12. Review status: criteria provided, single submitter. Criteria: Kaminsky et al. (Genet Med. 2011). Collection method: clinical testing. Allele origin: unknown. Affected: yes. Observed: 1 variant allele.
Comment: Copy number variation identified through the course of routine clinical cytogenomic testing in postnatal populations. Clinical assertions have been curated as described in Kaminsky et al. 2011.

GRCh38/hg38 21q22.3(chr21:46601846-46660999)x3

Genes: PRMT2 (protein arginine methyltransferase 2; plus strand), S100B (S100 calcium binding protein B; minus strand), LOC130066885 (ATAC-STARR-seq lymphoblastoid silent region 13424; plus strand). Cytogenetic location: 21q22.3.
Variant type: copy number gain.
Change: copy number 3 (three copies instead of two) of chr21:46,601,846-46,660,999 (59.2 kb, GRCh38 coordinates, 1-based), cytogenetic band 21q22.3.
Identifiers: ClinVar variation 57113 (VCV000057113.1).